The following is an entry in ClinVar:

NM_001368894.2(PAX6):c.573C>A (p.Cys191Ter)

Gene: PAX6 (paired box 6; minus strand). Cytogenetic location: 11p13.
Variant type: single nucleotide variant.
Coding change: c.573C>A on transcript NM_001368894.2 (MANE Select); coding-DNA position 573, C replaced by A.
Protein change: p.Cys191Ter; replaces cysteine 191 with a stop codon.
Molecular consequence: nonsense. On other transcripts: 5 prime UTR variant (1), non-coding transcript variant (2).
Genome position (GRCh38, 1-based): chr11:31,794,781, G>T on the plus strand (C>A on the coding strand, the complement: PAX6 is on the minus strand). VCF-style: chr11-31794781-G-T. GRCh37 (hg19) VCF-style: chr11-31816329-G-T.
Other names: c.123C>A, p.Cys41Ter (NM_001368900.2, NM_001368901.2, NM_001368902.2 and 11 more transcripts); c.531C>A, p.Cys177Ter (NM_000280.6, NM_001127612.3, NM_001258464.2 and 10 more transcripts); c.573C>A, p.Cys191Ter (NM_001258462.3, NM_001258463.2, NM_001310158.2 and 6 more transcripts); c.648C>A, p.Cys216Ter (NM_001368919.2, NM_001368918.2); c.606C>A, p.Cys202Ter (NM_001368920.2); c.372C>A, p.Cys124Ter (NM_001368921.2, NM_001368922.2, NM_001368923.2 and 4 more transcripts); c.330C>A, p.Cys110Ter (NM_001368928.2); c.-73C>A (NM_001368930.2); and 3 more; short protein forms C177*, C124*, C191*, C216*, C41*, C110*, C192*, C202*.
Identifiers: ClinVar variation 489045 (VCV000489045.5), dbSNP rs1554983586, ClinGen allele CA379957204.

ClinVar aggregate classification (germline): Pathogenic/Likely pathogenic. Review status: criteria provided, multiple submitters, no conflicts (2 of 4 stars). 2 submissions from 2 submitters: Pathogenic (1); Likely pathogenic (1). Last evaluated 2023-12-25.

Conditions:
Aniridia 1 (AN1). Identifiers: Orphanet 250923, MedGen C0344542, MONDO:0024507, OMIM 106210.

Submissions (2):

Eye & ENT Hospital, Shanghai Medical College, Fudan University
Classification: Likely pathogenic for Aniridia 1. Last evaluated: 2023-12-25. Review status: criteria provided, single submitter. Criteria: ACMG Guidelines, 2007. Collection method: clinical testing. Allele origin: de novo. Affected: yes.

GeneDx
Classification: Pathogenic. Last evaluated: 2017-10-02. Review status: criteria provided, single submitter. Criteria: GeneDx Variant Classification (06012015). Collection method: clinical testing. Allele origin: germline. Affected: yes.
Comment: The C177X nonsense variant in the PAX6 gene is predicted to cause loss of normal protein function either through protein truncation or nonsense-mediated mRNA decay. The C177X variant is not observed in large population cohorts (Lek et al., 2016).